The following is an entry in ClinVar:

ClinVar aggregate classification (germline): Uncertain significance. Review status: criteria provided, multiple submitters, no conflicts (2 of 4 stars). 3 submissions from 3 submitters: Uncertain significance (3). Last evaluated 2025-12-31.

Conditions:
DYRK1A-related intellectual disability syndrome (MRD7). Also called: DYRK1A Syndrome; Intellectual developmental disorder, autosomal dominant 7. Identifiers: Orphanet 464306, MedGen C5568143, MONDO:0013578, OMIM 614104.
Inborn genetic diseases. Identifiers: MedGen C0950123, MeSH D030342.

gnomAD v4.1: 1 of 1,614,060 alleles (0.000062%); highest among the groups gnomAD compares: African/African-American, 0.0013%; no homozygotes.

Submissions (3):

Ambry Genetics
Classification: Uncertain significance for Inborn genetic diseases. Last evaluated: 2025-12-31. Review status: criteria provided, single submitter. Criteria: Ambry Variant Classification Scheme 2023. Collection method: clinical testing. Allele origin: germline.

Labcorp Genetics (formerly Invitae), Labcorp
Classification: Uncertain significance for DYRK1A-related intellectual disability syndrome. Last evaluated: 2025-07-02. Review status: criteria provided, single submitter. Criteria: Invitae Variant Classification Sherloc (09022015). Collection method: clinical testing. Allele origin: germline.
Comment: This sequence change replaces methionine, which is neutral and non-polar, with valine, which is neutral and non-polar, at codon 459 of the DYRK1A protein (p.Met459Val). This variant is not present in population databases (gnomAD no frequency). This variant has not been reported in the literature in individuals affected with DYRK1A-related conditions. Invitae Evidence Modeling of protein sequence and biophysical properties (such as structural, functional, and spatial information, amino acid conservation, physicochemical variation, residue mobility, and thermodynamic stability) indicates that this missense variant is not expected to disrupt DYRK1A protein function with a negative predictive value of 80%. In summary, the available evidence is currently insufficient to determine the role of this variant in disease. Therefore, it has been classified as a Variant of Uncertain Significance.

Laboratorio de Genetica e Diagnostico Molecular, Hospital Israelita Albert Einstein
Classification: Uncertain significance for DYRK1A-related intellectual disability syndrome. Last evaluated: 2024-09-25. Review status: criteria provided, single submitter. Criteria: ACMG Guidelines, 2015. Collection method: clinical testing. Allele origin: germline. Affected: yes.
Comment: ACMG classification criteria: PM2 supporting, PP2 supporting, BP4 supporting

NM_001347721.2(DYRK1A):c.1348A>G (p.Met450Val)

Gene: DYRK1A (dual specificity tyrosine phosphorylation regulated kinase 1A; plus strand). Cytogenetic location: 21q22.13.
Variant type: single nucleotide variant.
Coding change: c.1348A>G on transcript NM_001347721.2 (MANE Select); coding-DNA position 1348, A replaced by G.
Protein change: p.Met450Val; replaces methionine 450 with valine.
Molecular consequence: missense variant.
Genome position (GRCh38, 1-based): chr21:37,505,418, A>G. VCF-style: chr21-37505418-A-G. GRCh37 (hg19) VCF-style: chr21-38877721-A-G.
Other names: c.1348A>G, p.Met450Val (NM_001347722.2, NM_130436.2); c.1261A>G, p.Met421Val (NM_001347723.2); c.1375A>G, p.Met459Val (NM_001396.5, NM_101395.2, NM_130438.2); c.1375A>G (NM_001396.3); short protein forms M421V, M450V, M459V.
Identifiers: ClinVar variation 3901973 (VCV003901973.3).